The following is an entry in ClinVar:

NM_032043.3(BRIP1):c.1701_1707dup (p.Leu570fs)

Gene: BRIP1 (BRCA1 interacting DNA helicase 1; minus strand). Cytogenetic location: 17q23.2.
Variant type: Duplication.
Coding change: c.1701_1707dup on transcript NM_032043.3 (MANE Select); coding-DNA positions 1701 to 1707, 7 bases duplicated (AAATGGG; older notation c.1701_1707dupAAATGGG).
Protein change: p.Leu570fs; shifts the reading frame from leucine 570.
Molecular consequence: frameshift variant.
Genome position (GRCh38, 1-based): chr17:61,780,927-61,780,933, CCCATTT duplicated on the plus strand (AAATGGG on the coding strand, the reverse complement: BRIP1 is on the minus strand). VCF-style (leftmost placement, unchanged base first): chr17-61780926-A-ACCCATTT. GRCh37 (hg19) VCF-style: chr17-59858287-A-ACCCATTT.
Other names: c.1701_1707dupAAATGGG (NM_032043.2); short protein forms L570fs.
Identifiers: ClinVar variation 4630724 (VCV004630724.1).

ClinVar aggregate classification (germline): Pathogenic (1 of 4 stars; one submission).

Conditions:
Hereditary cancer-predisposing syndrome. Also called: Neoplastic Syndromes, Hereditary; Tumor predisposition; Hereditary Cancer Syndrome; Hereditary neoplastic syndrome. Identifiers: Orphanet 140162, MedGen C0027672, MeSH D009386, MONDO:0015356.

Submission:

Ambry Genetics
Classification: Pathogenic for Hereditary cancer-predisposing syndrome. Last evaluated: 2025-09-22. Review status: criteria provided, single submitter. Criteria: Ambry Variant Classification Scheme 2023. Collection method: clinical testing. Allele origin: germline.
Comment: The c.1701_1707dupAAATGGG pathogenic mutation, located in coding exon 11 of the BRIP1 gene, results from a duplication of AAATGGG at nucleotide position 1701, causing a translational frameshift with a predicted alternate stop codon (p.L570Kfs*10). This variant is considered to be rare based on population cohorts in the Genome Aggregation Database (gnomAD). This alteration is expected to result in loss of function by premature protein truncation or nonsense-mediated mRNA decay. As such, this alteration is interpreted as a disease-causing mutation.